The following is an entry in ClinVar:

NM_015275.3(WASHC4):c.1862A>G (p.Tyr621Cys)

Gene: WASHC4 (WASH complex subunit 4; plus strand). Cytogenetic location: 12q23.3.
Variant type: single nucleotide variant.
Coding change: c.1862A>G on transcript NM_015275.3 (MANE Select); coding-DNA position 1862, A replaced by G.
Protein change: p.Tyr621Cys; replaces tyrosine 621 with cysteine.
Molecular consequence: missense variant.
Genome position (GRCh38, 1-based): chr12:105,142,527, A>G. VCF-style: chr12-105142527-A-G. GRCh37 (hg19) VCF-style: chr12-105536305-A-G.
Other names: NC_000012.11:g.105536305A>G; c.1865A>G, p.Tyr622Cys (NM_001293640.2); short protein forms Y621C, Y622C.
Identifiers: ClinVar variation 4379029 (VCV004379029.7).
Genomic context (GRCh38, chr12:105,142,527, plus strand): 5'-GTGACTGTTGTTTTTTATACTGGCATCGAGCTGTCTTCCCAATTTATTTAGATGATGTAT[A>G]TGAAAATGCTGTTGATGCAGCCAGATTACATGTAAGTAAAGAACAATATAAAGAATAATT-3'
Protein context (NP_056090.1, residues 611-631): AVFPIYLDDV[Tyr621Cys]ENAVDAARLH

ClinVar aggregate classification (germline): Uncertain significance (1 of 4 stars; one submission).

gnomAD v4.1: 68 of 1,602,610 alleles (0.0042%); highest among the groups gnomAD compares: Non-Finnish European, 0.0056%; no homozygotes.

Submissions (2):

CeGaT Center for Human Genetics Tuebingen
Classification: Uncertain significance. Last evaluated: 2025-11-01. Review status: criteria provided, single submitter. Criteria: CeGaT Center For Human Genetics Tuebingen Variant Classification Criteria Version 2. Collection method: clinical testing. Allele origin: germline. Affected: yes. Observed: 1 variant allele.
Comment: WASHC4: PM2

Dr. Peter K. Rogan Lab, Western University
No classification provided (evidence only). Condition: Gastric cancer. Review status: no classification provided. Collection method: in vitro. Allele origin: not applicable. Functional consequence: retained intron. Not counted in ClinVar's aggregate classification.